The following is an entry in ClinVar:

NM_000426.4(LAMA2):c.640-6127A>G

Gene: LAMA2 (laminin subunit alpha 2; plus strand). Cytogenetic location: 6q22.33.
Variant type: single nucleotide variant.
Coding change: c.640-6127A>G on transcript NM_000426.4 (MANE Select); 6127 bases into the intron before coding-DNA position 640, A replaced by G.
Molecular consequence: intron variant.
Genome position (GRCh38, 1-based): chr6:129,137,774, A>G. VCF-style: chr6-129137774-A-G. GRCh37 (hg19) VCF-style: chr6-129458919-A-G.
Other names: c.640-6127A>G (NM_001079823.2).
Identifiers: ClinVar variation 2674609 (VCV002674609.1), dbSNP rs189839901, ClinGen allele CA146880861.

ClinVar aggregate classification (germline): Uncertain significance (1 of 4 stars; one submission).

Conditions:
Merosin deficient congenital muscular dystrophy (MDC1A). Also called: Congenital merosin-deficient muscular dystrophy 1A; Congenital Muscular Dystrophy Type 1A (MDC1A). Identifiers: Orphanet 258, MedGen C1263858, MONDO:0011925, OMIM 607855.

Allele frequency attached by ClinVar (database versions not stated): 1000 Genomes Project 0.00100; 1000 Genomes Project 30x 0.00187; TOPMed 0.00505; gnomAD 0.00532.
gnomAD v4.1: 817 of 152,280 alleles (0.54%); highest among the groups gnomAD compares: Non-Finnish European, 0.89%; 1 homozygote.

Submission:

Institute of Medical Genetics and Applied Genomics, University Hospital Tübingen
Classification: Uncertain significance for Merosin deficient congenital muscular dystrophy. Last evaluated: 2023-12-22. Review status: criteria provided, single submitter. Criteria: ACMG Guidelines, 2015. Collection method: clinical testing. Allele origin: germline. Inheritance: Autosomal recessive inheritance. Affected: yes.